The following is an entry in ClinVar:

NM_001363711.2(DUOX2):c.2921G>A (p.Arg974His)

Gene: DUOX2 (dual oxidase 2; minus strand). Cytogenetic location: 15q21.1.
Variant type: single nucleotide variant.
Coding change: c.2921G>A on transcript NM_001363711.2 (MANE Select); coding-DNA position 2921, G replaced by A.
Protein change: p.Arg974His; replaces arginine 974 with histidine.
Molecular consequence: missense variant.
Genome position (GRCh38, 1-based): chr15:45,101,205, C>T on the plus strand (G>A on the coding strand, the complement: DUOX2 is on the minus strand). VCF-style: chr15-45101205-C-T. GRCh37 (hg19) VCF-style: chr15-45393403-C-T.
Other names: c.2921G>A, p.Arg974His (NM_014080.5); short protein forms R974H.
Identifiers: ClinVar variation 1400637 (VCV001400637.12), dbSNP rs778216481, ClinGen allele CA7538090.
Genomic context (GRCh38, chr15:45,101,205, plus strand): 5'-CTTCATTTCTCTGCAGGGGGCTCAGCCAGGCCAACCTGCCAGAGCCCCATTCCTGCTCAC[C>T]GCTCCCCAGGTGTCCGAGTGATGAACGAGACTCGACAGCTGATGTTTTGTTTAAAGATAT-3'
Protein context (NP_001350640.1, residues 964-984): VSFITRTPGE[Arg974His]SHPQGLGPPA

ClinVar aggregate classification (germline): Conflicting classifications of pathogenicity. Review status: criteria provided, conflicting classifications (1 of 4 stars). 4 submissions from 4 submitters: Likely pathogenic (2); Uncertain significance (2). Last evaluated 2025-09-26.

Conditions:
Thyroid dyshormonogenesis 6 (TDH6). Also called: Genetic transient congenital hypothyroidism; HYPOTHYROIDISM, CONGENITAL, DUE TO DYSHORMONOGENESIS, 6; THYROID HORMONOGENESIS, GENETIC DEFECT IN, 6. Identifiers: Orphanet 226316, Orphanet 95716, MedGen C1846632, MONDO:0011792, OMIM 607200.

Allele frequency attached by ClinVar (database versions not stated): gnomAD exomes 0.00001 and 0.00010; gnomAD 0.00003; TOPMed 0.00005; ExAC 0.00014.

Submissions (4):

GeneDx
Classification: Uncertain significance. Last evaluated: 2025-09-26. Review status: criteria provided, single submitter. Criteria: GeneDx Variant Classification Process June 2021. Collection method: clinical testing. Allele origin: germline.
Comment: Identified with other DUOX variants on the opposite allele (in trans) or phase unknown in unrelated patients with congenital hypothyroidism (PMID: 29650690, 34539567, 37390946, 34564849); Identified as heterozygous in unrelated individuals with congenital hypothyroidism (PMID: 32425884, 33631011, 39720292); In silico analyses suggest that this missense variant does not alter protein structure/function but support a deleterious effect on splicing; This variant is associated with the following publications: (PMID: 17576681, 32425884, 34539567, 38105685, 39720292, 34564849, 33631011, 29650690, 37390946, 33644218)

Labcorp Genetics (formerly Invitae), Labcorp
Classification: Likely pathogenic. Last evaluated: 2025-08-29. Review status: criteria provided, single submitter. Criteria: Invitae Variant Classification Sherloc (09022015). Collection method: clinical testing. Allele origin: germline.
Comment: This sequence change replaces arginine, which is basic and polar, with histidine, which is basic and polar, at codon 974 of the DUOX2 protein (p.Arg974His). This variant also falls at the last nucleotide of exon 22, which is part of the consensus splice site for this exon. This variant is present in population databases (rs778216481, gnomAD 0.1%). This missense change has been observed in individual(s) with congenital hypothyroidism (PMID: 29650690, 32425884, 33631011, 33644218, 34539567, 34564849, 37390946). In at least one individual the data is consistent with being in trans (on the opposite chromosome) from a pathogenic variant. ClinVar contains an entry for this variant (Variation ID: 1400637). An algorithm developed to predict the effect of missense changes on protein structure and function (PolyPhen-2) suggests that this variant is likely to be tolerated. Experimental studies have shown that this missense change affects DUOX2 function (PMID: 34564849). Variants that disrupt the consensus splice site are a relatively common cause of aberrant splicing (PMID: 17576681, 9536098). Algorithms developed to predict the effect of sequence changes on RNA splicing suggest that this variant may disrupt the consensus splice site. In summary, the currently available evidence indicates that the variant is pathogenic, but additional data are needed to prove that conclusively. Therefore, this variant has been classified as Likely Pathogenic.

Fulgent Genetics
Classification: Uncertain significance for Thyroid dyshormonogenesis 6. Last evaluated: 2022-04-21. Review status: criteria provided, single submitter. Criteria: ACMG Guidelines, 2015. Collection method: clinical testing. Allele origin: unknown.

Juno Genomics, Hangzhou Juno Genomics, Inc
Classification: Likely pathogenic for Thyroid dyshormonogenesis 6. Review status: criteria provided, single submitter. Criteria: ACMG Guidelines, 2015. Collection method: clinical testing. Allele origin: germline.
Comment: Absent from controls (or at extremely low frequency if recessive) in Genome Aggregation Database.;Multiple lines of computational evidence support a deleterious effect on the gene or gene product.;For recessive disorders, detected in trans with a pathogenic variant.;Patient's phenotype or family history is highly specific for a disease with a single genetic etiology.

Literature cited by the submitters: PubMed 29650690 (cited by Labcorp Genetics (formerly Invitae), Labcorp); PubMed 32425884 (cited by Labcorp Genetics (formerly Invitae), Labcorp); PubMed 33631011 (cited by Labcorp Genetics (formerly Invitae), Labcorp); PubMed 33644218 (cited by Labcorp Genetics (formerly Invitae), Labcorp); PubMed 34539567 (cited by Labcorp Genetics (formerly Invitae), Labcorp); PubMed 34564849 (cited by Labcorp Genetics (formerly Invitae), Labcorp); PubMed 37390946 (cited by Labcorp Genetics (formerly Invitae), Labcorp); PubMed 17576681 (cited by Labcorp Genetics (formerly Invitae), Labcorp); PubMed 9536098 (cited by Labcorp Genetics (formerly Invitae), Labcorp).